The following is an entry in ClinVar:

ClinVar aggregate classification (germline): Pathogenic/Likely pathogenic. Review status: criteria provided, multiple submitters, no conflicts (2 of 4 stars). 2 submissions from 2 submitters: Pathogenic (1); Likely pathogenic (1). Last evaluated 2025-05-30.

Conditions:
MINPP1-related disorder. Also called: MINPP1-related condition.

Submissions (2):

Dasa
Classification: Pathogenic. Last evaluated: 2025-05-30. Review status: criteria provided, single submitter. Criteria: DASA Assertion Criteria. Collection method: clinical testing. Allele origin: germline.
Comment: NM_004897.5(MINPP1):c.687dup (p.Asp230*) introduces a premature termination codon predicted to result in loss of normal protein function. Loss-of-function is an established mechanism of disease for this gene. This variant has been observed in affected individuals with related phenotype in a genotype context consistent with recessive disease. The variant is present at low frequency in population datasets. Based on the available data, this variant is classified as pathogenic.

PreventionGenetics, part of Exact Sciences
Classification: Likely pathogenic for MINPP1-related condition. Last evaluated: 2024-12-16. Review status: criteria provided, single submitter. Criteria: ACMG Guidelines, 2015. Collection method: clinical testing. Allele origin: germline.
Comment: The MINPP1 c.687dupT variant is predicted to result in premature protein termination (p.Asp230*). To our knowledge, this variant has not been reported in the literature. This variant is reported in 0.00088% of alleles in individuals of European (Non-Finnish) descent in gnomAD. Nonsense variants in MINPP1 are expected to be pathogenic. This variant is interpreted as likely pathogenic.

NM_004897.5(MINPP1):c.687dup (p.Asp230Ter)

Gene: MINPP1 (multiple inositol-polyphosphate phosphatase 1; plus strand). Cytogenetic location: 10q23.2.
Variant type: Duplication.
Coding change: c.687dup on transcript NM_004897.5 (MANE Select); coding-DNA position 687, one base duplicated (T; older notation c.687dupT).
Protein change: p.Asp230Ter; replaces aspartic acid 230 with a stop codon.
Molecular consequence: nonsense.
Genome position (GRCh38, 1-based): chr10:87,508,385, T duplicated; the last of 6 consecutive T bases (chr10:87,508,380-87,508,385); duplicating any one gives the same sequence. VCF-style (leftmost placement, unchanged base first): chr10-87508379-A-AT. GRCh37 (hg19) VCF-style: chr10-89268136-A-AT.
Other names: c.687dup, p.Asp230Ter (NM_001178117.2); c.84dup, p.Asp29Ter (NM_001178118.2); short protein forms D230*, D29*.
Identifiers: ClinVar variation 2628617 (VCV002628617.3), dbSNP rs1249046608, ClinGen allele CA595187378.